The following is an entry in ClinVar:

ClinVar aggregate classification (germline): Uncertain significance. Review status: criteria provided, multiple submitters, no conflicts (2 of 4 stars). 2 submissions from 2 submitters: Uncertain significance (2). Last evaluated 2025-09-11.

Conditions:
Inborn genetic diseases. Identifiers: MedGen C0950123, MeSH D030342.
Fanconi anemia (FA). Also called: Fanconi's anemia. Identifiers: Orphanet 84, MedGen C0015625, MeSH D005199, MONDO:0019391.

gnomAD v4.1: 11 of 1,614,222 alleles (0.00068%); highest among the groups gnomAD compares: Non-Finnish European, 0.00093%; no homozygotes.

Submissions (2):

Ambry Genetics
Classification: Uncertain significance for Inborn genetic diseases. Last evaluated: 2025-09-11. Review status: criteria provided, single submitter. Criteria: Ambry Variant Classification Scheme 2023. Collection method: clinical testing. Allele origin: germline.

Labcorp Genetics (formerly Invitae), Labcorp
Classification: Uncertain significance for Fanconi anemia. Last evaluated: 2025-08-20. Review status: criteria provided, single submitter. Criteria: Invitae Variant Classification Sherloc (09022015). Collection method: clinical testing. Allele origin: germline.
Comment: This sequence change replaces serine, which is neutral and polar, with cysteine, which is neutral and slightly polar, at codon 1075 of the SLX4 protein (p.Ser1075Cys). This variant is present in population databases (rs147558074, gnomAD 0.004%). This variant has not been reported in the literature in individuals affected with SLX4-related conditions. An algorithm developed to predict the effect of missense changes on protein structure and function (PolyPhen-2) suggests that this variant is likely to be disruptive. In summary, the available evidence is currently insufficient to determine the role of this variant in disease. Therefore, it has been classified as a Variant of Uncertain Significance.

NM_032444.4(SLX4):c.3224C>G (p.Ser1075Cys)

Gene: SLX4 (SLX4 structure-specific endonuclease subunit; minus strand). Cytogenetic location: 16p13.3.
Variant type: single nucleotide variant.
Coding change: c.3224C>G on transcript NM_032444.4 (MANE Select); coding-DNA position 3224, C replaced by G.
Protein change: p.Ser1075Cys; replaces serine 1075 with cysteine.
Molecular consequence: missense variant.
Genome position (GRCh38, 1-based): chr16:3,590,414, G>C on the plus strand (C>G on the coding strand, the complement: SLX4 is on the minus strand). VCF-style: chr16-3590414-G-C. GRCh37 (hg19) VCF-style: chr16-3640415-G-C.
Other names: short protein forms S1075C.
Identifiers: ClinVar variation 4169993 (VCV004169993.2).